The following is an entry in ClinVar:

NM_014861.4(ATP2C2):c.2227G>T (p.Ala743Ser)

Genes: ATP2C2 (ATPase secretory pathway Ca2+ transporting 2; plus strand), ATP2C2-AS1 (ATP2C2 antisense RNA 1; minus strand). Cytogenetic location: 16q24.1.
Variant type: single nucleotide variant.
Coding change: c.2227G>T on transcript NM_014861.4 (MANE Select); coding-DNA position 2227, G replaced by T.
Protein change: p.Ala743Ser; replaces alanine 743 with serine.
Molecular consequence: missense variant. On other transcripts: non-coding transcript variant (1).
Genome position (GRCh38, 1-based): chr16:84,459,280, G>T. VCF-style: chr16-84459280-G-T. GRCh37 (hg19) VCF-style: chr16-84492886-G-T.
Other names: c.2227G>T, p.Ala743Ser (NM_001286527.3); c.1774G>T, p.Ala592Ser (NM_001291454.2); c.2227G>T (NM_014861.2); short protein forms A743S, A592S.
Identifiers: ClinVar variation 871974 (VCV000871974.42), dbSNP rs373784599, ClinGen allele CA8208033.

ClinVar aggregate classification (germline): Conflicting classifications of pathogenicity. Review status: criteria provided, conflicting classifications (1 of 4 stars). 2 submissions from 2 submitters: Uncertain significance (1); Likely benign (1). Last evaluated 2023-10-03.

Allele frequency attached by ClinVar (database versions not stated): TOPMed 0.00001.
gnomAD v4.1: 34 of 1,614,066 alleles (0.0021%); highest among the groups gnomAD compares: Middle Eastern, 0.016%; no homozygotes.

Submissions (2):

Ambry Genetics
Classification: Uncertain significance. Last evaluated: 2023-10-03. Review status: criteria provided, single submitter. Criteria: Ambry Variant Classification Scheme 2023. Collection method: clinical testing. Allele origin: germline.

CeGaT Center for Human Genetics Tuebingen
Classification: Likely benign. Last evaluated: 2022-06-01. Review status: criteria provided, single submitter. Criteria: CeGaT Center For Human Genetics Tuebingen Variant Classification Criteria Version 2. Collection method: clinical testing. Allele origin: germline. Affected: yes. Observed: 1 variant allele.
Comment: ATP2C2: BP5, BS2